The following is an entry in ClinVar:

NM_000136.3(FANCC):c.1643G>T (p.Arg548Leu)

Genes: FANCC (FA complementation group C; minus strand), AOPEP (aminopeptidase O (putative); plus strand). Cytogenetic location: 9q22.32.
Variant type: single nucleotide variant.
Coding change: c.1643G>T on transcript NM_000136.3 (MANE Select); coding-DNA position 1643, G replaced by T.
Protein change: p.Arg548Leu; replaces arginine 548 with leucine.
Molecular consequence: missense variant.
Genome position (GRCh38, 1-based): chr9:95,101,741, C>A on the plus strand (G>T on the coding strand, the complement: FANCC is on the minus strand). VCF-style: chr9-95101741-C-A. GRCh37 (hg19) VCF-style: chr9-97864023-C-A.
Other names: c.1643G>T, p.Arg548Leu (NM_001243743.2); short protein forms R548L.
Identifiers: ClinVar variation 1777094 (VCV001777094.8), dbSNP rs730881729, ClinGen allele CA374104310.

ClinVar aggregate classification (germline): Uncertain significance. Review status: criteria provided, multiple submitters, no conflicts (2 of 4 stars). 2 submissions from 2 submitters: Uncertain significance (2). Last evaluated 2024-05-04.

Conditions:
Hereditary cancer-predisposing syndrome. Also called: Neoplastic Syndromes, Hereditary; Tumor predisposition; Hereditary Cancer Syndrome; Hereditary neoplastic syndrome. Identifiers: Orphanet 140162, MedGen C0027672, MeSH D009386, MONDO:0015356.
Fanconi anemia (FA). Also called: Fanconi's anemia. Identifiers: Orphanet 84, MedGen C0015625, MeSH D005199, MONDO:0019391.

gnomAD v4.1: 1 of 1,613,964 alleles (0.000062%); highest among the groups gnomAD compares: Non-Finnish European, 0.000085%; no homozygotes.

Submissions (2):

Ambry Genetics
Classification: Uncertain significance for Hereditary cancer-predisposing syndrome. Last evaluated: 2024-05-04. Review status: criteria provided, single submitter. Criteria: Ambry Variant Classification Scheme 2023. Collection method: clinical testing. Allele origin: germline.
Comment: The p.R548L variant (also known as c.1643G>T), located in coding exon 14 of the FANCC gene, results from a G to T substitution at nucleotide position 1643. The arginine at codon 548 is replaced by leucine, an amino acid with dissimilar properties. This amino acid position is conserved. In addition, this alteration is predicted to be tolerated by in silico analysis. Since supporting evidence is limited at this time, the clinical significance of this alteration remains unclear.

Labcorp Genetics (formerly Invitae), Labcorp
Classification: Uncertain significance for Fanconi anemia. Last evaluated: 2023-10-16. Review status: criteria provided, single submitter. Criteria: Invitae Variant Classification Sherloc (09022015). Collection method: clinical testing. Allele origin: germline.
Comment: This sequence change replaces arginine, which is basic and polar, with leucine, which is neutral and non-polar, at codon 548 of the FANCC protein (p.Arg548Leu). This variant is not present in population databases (gnomAD no frequency). This variant has not been reported in the literature in individuals affected with FANCC-related conditions. ClinVar contains an entry for this variant (Variation ID: 1777094). Advanced modeling of protein sequence and biophysical properties (such as structural, functional, and spatial information, amino acid conservation, physicochemical variation, residue mobility, and thermodynamic stability) performed at Invitae indicates that this missense variant is not expected to disrupt FANCC protein function. In summary, the available evidence is currently insufficient to determine the role of this variant in disease. Therefore, it has been classified as a Variant of Uncertain Significance.